The following is an entry in ClinVar:

NM_012414.4(RAB3GAP2):c.3701T>C (p.Val1234Ala)

Gene: RAB3GAP2 (RAB3 GTPase activating non-catalytic protein subunit 2; minus strand). Cytogenetic location: 1q41.
Variant type: single nucleotide variant.
Coding change: c.3701T>C on transcript NM_012414.4 (MANE Select); coding-DNA position 3701, T replaced by C.
Protein change: p.Val1234Ala; replaces valine 1234 with alanine.
Molecular consequence: missense variant.
Genome position (GRCh38, 1-based): chr1:220,153,351, A>G on the plus strand (T>C on the coding strand, the complement: RAB3GAP2 is on the minus strand). VCF-style: chr1-220153351-A-G. GRCh37 (hg19) VCF-style: chr1-220326693-A-G.
Other names: short protein forms V1234A.
Identifiers: ClinVar variation 393011 (VCV000393011.5), dbSNP rs1057524739, ClinGen allele CA16603537.
Genomic context (GRCh38, chr1:220,153,351, plus strand): 5'-GCTGGCCAATCTTGGTCTTTCCCAAAAGGAGTGGGTGTGGCCTCTTCTGTGGGATCTTTG[A>G]CCTTTGTGGCTGAATGTTGGGCCTGGACAGCTGCACTGACAACTTTCAATAAGAACTTGA-3'
Protein context (NP_036546.2, residues 1224-1244): AVQAQHSATK[Val1234Ala]KDPTEEATPT

ClinVar aggregate classification (germline): Uncertain significance. Review status: criteria provided, multiple submitters, no conflicts (2 of 4 stars). 2 submissions from 2 submitters: Uncertain significance (2). Last evaluated 2021-07-31.

Conditions:
Martsolf syndrome (MARTS). Also called: Congenital cataract with intellectual disability and hypogonadotropic hypogonadism syndrome. Identifiers: Orphanet 1387, MedGen C0796037, MONDO:0023910.
Warburg micro syndrome 2 (WARBM2). Also called: MICRO SYNDROME 2. Identifiers: Orphanet 2510, MedGen C3280214, MONDO:0013641, OMIM 614225.

Allele frequency attached by ClinVar (database versions not stated): gnomAD exomes below 0.00001; TOPMed 0.00001; gnomAD 0.00002.
gnomAD v4.1: 9 of 1,614,040 alleles (0.00056%); highest among the groups gnomAD compares: African/African-American, 0.0053%; no homozygotes.

Submissions (2):

Labcorp Genetics (formerly Invitae), Labcorp
Classification: Uncertain significance for Martsolf syndrome; Warburg micro syndrome 2. Last evaluated: 2021-07-31. Review status: criteria provided, single submitter. Criteria: Invitae Variant Classification Sherloc (09022015). Collection method: clinical testing. Allele origin: germline.
Comment: This sequence change replaces valine with alanine at codon 1234 of the RAB3GAP2 protein (p.Val1234Ala). The valine residue is weakly conserved and there is a small physicochemical difference between valine and alanine. This variant is not present in population databases (ExAC no frequency). This variant has not been reported in the literature in individuals affected with RAB3GAP2-related conditions. ClinVar contains an entry for this variant (Variation ID: 393011). Algorithms developed to predict the effect of missense changes on protein structure and function (SIFT, PolyPhen-2, Align-GVGD) all suggest that this variant is likely to be tolerated. In summary, the available evidence is currently insufficient to determine the role of this variant in disease. Therefore, it has been classified as a Variant of Uncertain Significance.

GeneDx
Classification: Uncertain significance. Last evaluated: 2017-01-20. Review status: criteria provided, single submitter. Criteria: GeneDx Variant Classification (06012015). Collection method: clinical testing. Allele origin: germline. Affected: yes.
Comment: A variant of uncertain significance has been identified in the RAB3GAP2 gene. The V1234A variant has not been published as a pathogenic variant, nor has it been reported as a benign variant to our knowledge. The V1234A variant is not observed in large population cohorts (Lek et al., 2016; 1000 Genomes Consortium et al., 2015; Exome Variant Server). The V1234A variant is a conservative amino acid substitution, which is not likely to impact secondary protein structure as these residues share similar properties. This substitution occurs at a position that is not conserved, and in silico analysis predicts this variant likely does not alter the protein structure/function. Based on the currently available information, it is unclear whether this variant is a pathogenic variant or a rare benign variant.